The following is an entry in ClinVar:

ClinVar aggregate classification (germline): Uncertain significance (1 of 4 stars; one submission).

Conditions:
Inborn genetic diseases. Identifiers: MedGen C0950123, MeSH D030342.

gnomAD v4.1: 9 of 1,614,174 alleles (0.00056%); highest among the groups gnomAD compares: East Asian, 0.0089%; no homozygotes.

Submission:

Ambry Genetics
Classification: Uncertain significance for Inborn genetic diseases. Last evaluated: 2022-02-26. Review status: criteria provided, single submitter. Criteria: Ambry Variant Classification Scheme 2023. Collection method: clinical testing. Allele origin: germline.
Comment: The p.P801R variant (also known as c.2402C>G), located in coding exon 15 of the EPAS1 gene, results from a C to G substitution at nucleotide position 2402. The proline at codon 801 is replaced by arginine, an amino acid with dissimilar properties. This amino acid position is conserved. In addition, this alteration is predicted to be tolerated by in silico analysis. Since supporting evidence is limited at this time, the clinical significance of this alteration remains unclear.

NM_001430.5(EPAS1):c.2402C>G (p.Pro801Arg)

Gene: EPAS1 (endothelial PAS domain protein 1; plus strand). Cytogenetic location: 2p21.
Variant type: single nucleotide variant.
Coding change: c.2402C>G on transcript NM_001430.5 (MANE Select); coding-DNA position 2402, C replaced by G.
Protein change: p.Pro801Arg; replaces proline 801 with arginine.
Molecular consequence: missense variant.
Genome position (GRCh38, 1-based): chr2:46,382,539, C>G. VCF-style: chr2-46382539-C-G. GRCh37 (hg19) VCF-style: chr2-46609678-C-G.
Other names: short protein forms P801R.
Identifiers: ClinVar variation 1790749 (VCV001790749.2), dbSNP rs1443051369, ClinGen allele CA346706259.